The following is an entry in ClinVar:

NM_001378452.1(ITPR1):c.709-6T>C

Gene: ITPR1 (inositol 1,4,5-trisphosphate receptor type 1; plus strand). Cytogenetic location: 3p26.1.
Variant type: single nucleotide variant.
Coding change: c.709-6T>C on transcript NM_001378452.1 (MANE Select); 6 bases into the intron before coding-DNA position 709, T replaced by C.
Molecular consequence: intron variant.
Genome position (GRCh38, 1-based): chr3:4,645,576, T>C. VCF-style: chr3-4645576-T-C. GRCh37 (hg19) VCF-style: chr3-4687260-T-C.
Other names: c.709-6T>C (NM_001099952.4, NM_001168272.2, NM_002222.7).
Identifiers: ClinVar variation 900471 (VCV000900471.9), dbSNP rs374932152, ClinGen allele CA2230949.

ClinVar aggregate classification (germline): Conflicting classifications of pathogenicity. Review status: criteria provided, conflicting classifications (1 of 4 stars). 3 submissions from 3 submitters: Uncertain significance (2); Likely benign (1). Last evaluated 2025-05-19.

Conditions:
Autosomal dominant cerebellar ataxia. Also called: Spinocerebellar Ataxia, Dominant. Identifiers: Orphanet 99, MedGen C4087347, MONDO:0020380.
Inborn genetic diseases. Identifiers: MedGen C0950123, MeSH D030342.

Allele frequency attached by ClinVar (database versions not stated): gnomAD exomes 0.00002 and 0.00009; ExAC 0.00003; gnomAD 0.00003 and 0.00004; TOPMed 0.00003; ESP Exome Variant Server 0.00008.
gnomAD v4.1: 131 of 1,613,068 alleles (0.0081%); highest among the groups gnomAD compares: Non-Finnish European, 0.011%; no homozygotes.

Submissions (3):

Ambry Genetics
Classification: Uncertain significance for Inborn genetic diseases. Last evaluated: 2025-05-19. Review status: criteria provided, single submitter. Criteria: Ambry Variant Classification Scheme 2023. Collection method: clinical testing. Allele origin: germline.
Comment: The c.709-6T>C intronic alteration consists of a T to C substitution 6 nucleotides before exon 10 (coding exon 8) of the ITPR1 gene. Based on insufficient or conflicting evidence, the clinical significance of this alteration remains unclear.

Labcorp Genetics (formerly Invitae), Labcorp
Classification: Likely benign. Last evaluated: 2023-09-29. Review status: criteria provided, single submitter. Criteria: Invitae Variant Classification Sherloc (09022015). Collection method: clinical testing. Allele origin: germline.

Illumina Laboratory Services, Illumina
Classification: Uncertain significance for Spinocerebellar Ataxia, Dominant. Last evaluated: 2018-01-13. Review status: criteria provided, single submitter. Criteria: ICSL Variant Classification Criteria 13 December 2019. Collection method: clinical testing. Allele origin: germline.